The following is an entry in ClinVar:

ClinVar aggregate classification (germline): Pathogenic (1 of 4 stars; one submission).

Submission:

Labcorp Genetics (formerly Invitae), Labcorp
Classification: Pathogenic. Last evaluated: 2021-08-22. Review status: criteria provided, single submitter. Criteria: Invitae Variant Classification Sherloc (09022015). Collection method: clinical testing. Allele origin: germline.
Comment: This sequence change creates a premature translational stop signal (p.Tyr539*) in the CELF2 gene. It is expected to result in an absent or disrupted protein product. Loss-of-function variants in CELF2 are known to be pathogenic (PMID: 33131106). This variant is not present in population databases (ExAC no frequency). This variant has not been reported in the literature in individuals affected with CELF2-related conditions. For these reasons, this variant has been classified as Pathogenic.

Literature cited by the submitters: PubMed 33131106.

NM_001326342.2(CELF2):c.1563C>G (p.Tyr521Ter)

Genes: CELF2 (CUGBP Elav-like family member 2; plus strand), CELF2-AS1 (CELF2 antisense RNA 1; minus strand). Cytogenetic location: 10p14.
Variant type: single nucleotide variant.
Coding change: c.1563C>G on transcript NM_001326342.2 (MANE Select); coding-DNA position 1563, C replaced by G.
Protein change: p.Tyr521Ter; replaces tyrosine 521 with a stop codon.
Molecular consequence: nonsense.
Genome position (GRCh38, 1-based): chr10:11,329,050, C>G. VCF-style: chr10-11329050-C-G. GRCh37 (hg19) VCF-style: chr10-11371013-C-G.
Other names: c.1452C>G, p.Tyr484Ter (NM_001326329.2, NM_001326317.2, NM_001326344.2 and 2 more transcripts); c.1470C>G, p.Tyr490Ter (NM_001326330.2, NM_001326334.2, NM_001025076.2 and 6 more transcripts); c.1542C>G, p.Tyr514Ter (NM_001326331.2, NM_001394502.1); c.1524C>G, p.Tyr508Ter (NM_001326332.2, NM_001025077.3, NM_001326319.2); c.858C>G, p.Tyr286Ter (NM_001326333.2); c.1536C>G, p.Tyr512Ter (NM_001326335.2); c.1596C>G, p.Tyr532Ter (NM_001326336.2); c.1356C>G, p.Tyr452Ter (NM_001326337.2); and 14 more; short protein forms Y490*, Y496*, Y498*, Y532*, Y533*, Y280*, Y286*, Y452*.
Identifiers: ClinVar variation 1398077 (VCV001398077.6), dbSNP rs764892258, ClinGen allele CA375974313.